The following is an entry in ClinVar:

NM_001243787.2(SMUG1):c.285+5A>T

Gene: SMUG1 (single-strand-selective monofunctional uracil-DNA glycosylase 1; minus strand). Cytogenetic location: 12q13.13.
Variant type: single nucleotide variant.
Coding change: c.285+5A>T on transcript NM_001243787.2 (MANE Select); 5 bases into the intron after coding-DNA position 285, A replaced by T.
Molecular consequence: intron variant.
Genome position (GRCh38, 1-based): chr12:54,183,651, T>A on the plus strand (A>T on the coding strand, the complement: SMUG1 is on the minus strand). VCF-style: chr12-54183651-T-A. GRCh37 (hg19) VCF-style: chr12-54577435-T-A.
Other names: c.-21-1028A>T (NM_001351259.2); c.285+5A>T (NM_001243791.2, NM_001243788.2, NM_001351242.2 and 26 more transcripts); c.-22+114A>T (NM_001351260.2).
Identifiers: ClinVar variation 161674 (VCV000161674.2), dbSNP rs193921126, ClinGen allele CA174576.

ClinVar aggregate classification (germline): Uncertain significance (0 of 4 stars; one submission).

Conditions:
Prostate cancer. Also called: Malignant tumor of prostate. Identifiers: Orphanet 1331, MedGen C0376358, MONDO:0008315, HP:0012125.

Submission:

Science for Life laboratory,  Karolinska Institutet
Classification: Uncertain significance for Malignant tumor of prostate. Review status: no assertion criteria provided. Collection method: not provided. Allele origin: somatic.
Comment: TumorID:SWE-92B
ClinVar note: Converted during submission from Unknown to Uncertain significance.